The following is an entry in ClinVar:

NM_001040716.2(PC):c.2227A>G (p.Met743Val)

Gene: PC (pyruvate carboxylase; minus strand). Cytogenetic location: 11q13.2.
Variant type: single nucleotide variant.
Coding change: c.2227A>G on transcript NM_001040716.2 (MANE Select); coding-DNA position 2227, A replaced by G.
Protein change: p.Met743Val; replaces methionine 743 with valine.
Molecular consequence: missense variant.
Genome position (GRCh38, 1-based): chr11:66,850,920, T>C on the plus strand (A>G on the coding strand, the complement: PC is on the minus strand). VCF-style: chr11-66850920-T-C. GRCh37 (hg19) VCF-style: chr11-66618391-T-C.
Other names: c.2227A>G, p.Met743Val (NM_000920.4, NM_022172.3); short protein forms M743V.
Identifiers: ClinVar variation 658529 (VCV000658529.7), dbSNP rs1591118129, ClinGen allele CA381493417.

ClinVar aggregate classification (germline): Uncertain significance (1 of 4 stars; one submission).

Conditions:
Pyruvate carboxylase deficiency. Also called: PC DEFICIENCY; ATAXIA WITH LACTIC ACIDOSIS II; Pyruvate Carboxylase Deficiency Disease; LEIGH NECROTIZING ENCEPHALOPATHY DUE TO PYRUVATE CARBOXYLASE DEFICIENCY; LEIGH SYNDROME DUE TO PYRUVATE CARBOXYLASE DEFICIENCY. Identifiers: Orphanet 3008, MedGen C0034341, MONDO:0009949, OMIM 266150.

Allele frequency attached by ClinVar (database versions not stated): gnomAD exomes below 0.00001; TOPMed below 0.00001.
gnomAD v4.1: 4 of 1,608,756 alleles (0.00025%); highest among the groups gnomAD compares: Non-Finnish European, 0.00034%; no homozygotes.

Submission:

Labcorp Genetics (formerly Invitae), Labcorp
Classification: Uncertain significance for Pyruvate carboxylase deficiency. Last evaluated: 2018-11-05. Review status: criteria provided, single submitter. Criteria: Invitae Variant Classification Sherloc (09022015). Collection method: clinical testing. Allele origin: germline.
Comment: In summary, the available evidence is currently insufficient to determine the role of this variant in disease. Therefore, it has been classified as a Variant of Uncertain Significance. This variant disrupts the p.Met743 amino acid residue in PC. Other variant(s) that disrupt this residue have been observed in affected individuals (PMID: 9585612), which suggests that this may be a clinically significant amino acid residue. Algorithms developed to predict the effect of missense changes on protein structure and function are either unavailable or do not agree on the potential impact of this missense change (SIFT: "Deleterious"; PolyPhen-2: "Probably Damaging"; Align-GVGD: "Class C0"). This variant is not present in population databases (ExAC no frequency). This sequence change replaces methionine with valine at codon 743 of the PC protein (p.Met743Val). The methionine residue is highly conserved and there is a small physicochemical difference between methionine and valine.

Literature cited by the submitters: PubMed 9585612.